The following is an entry in ClinVar:

ClinVar aggregate classification (germline): Uncertain significance (1 of 4 stars; one submission).

Conditions:
Charcot-Marie-Tooth disease axonal type 2O. Also called: Charcot-Marie-Tooth disease, axonal, type 20; CHARCOT-MARIE-TOOTH NEUROPATHY, AXONAL, TYPE 2O; CHARCOT-MARIE-TOOTH DISEASE, AXONAL, AUTOSOMAL DOMINANT, TYPE 2O; Charcot-Marie-Tooth Neuropathy Type 2O. Identifiers: Orphanet 284232, MedGen C3280220, MONDO:0013644, OMIM 614228.

Submission:

Labcorp Genetics (formerly Invitae), Labcorp
Classification: Uncertain significance for Charcot-Marie-Tooth disease axonal type 2O. Last evaluated: 2023-11-02. Review status: criteria provided, single submitter. Criteria: Invitae Variant Classification Sherloc (09022015). Collection method: clinical testing. Allele origin: germline.
Comment: This sequence change replaces glutamine, which is neutral and polar, with arginine, which is basic and polar, at codon 1746 of the DYNC1H1 protein (p.Gln1746Arg). This variant is not present in population databases (gnomAD no frequency). This variant has not been reported in the literature in individuals affected with DYNC1H1-related conditions. An algorithm developed to predict the effect of missense changes on protein structure and function (PolyPhen-2) suggests that this variant is likely to be disruptive. Algorithms developed to predict the effect of sequence changes on RNA splicing suggest that this variant may disrupt the consensus splice site. In summary, the available evidence is currently insufficient to determine the role of this variant in disease. Therefore, it has been classified as a Variant of Uncertain Significance.

NM_001376.5(DYNC1H1):c.5237A>G (p.Gln1746Arg)

Gene: DYNC1H1 (dynein cytoplasmic 1 heavy chain 1; plus strand). Cytogenetic location: 14q32.31.
Variant type: single nucleotide variant.
Coding change: c.5237A>G on transcript NM_001376.5 (MANE Select); coding-DNA position 5237, A replaced by G.
Protein change: p.Gln1746Arg; replaces glutamine 1746 with arginine.
Molecular consequence: missense variant.
Genome position (GRCh38, 1-based): chr14:102,004,949, A>G. VCF-style: chr14-102004949-A-G. GRCh37 (hg19) VCF-style: chr14-102471286-A-G.
Other names: short protein forms Q1746R.
Identifiers: ClinVar variation 2765785 (VCV002765785.3), dbSNP rs2503739269, ClinGen allele CA391045879.